The following is an entry in ClinVar:

ClinVar aggregate classification (germline): Likely benign (0 of 4 stars; one submission).

Conditions:
GPI-related disorder. Also called: GPI-related condition.

Allele frequency attached by ClinVar (database versions not stated): ESP Exome Variant Server 0.00015; ExAC 0.00002; TOPMed 0.00008.
gnomAD v4.1: 35 of 1,613,916 alleles (0.0022%); highest among the groups gnomAD compares: African/African-American, 0.023%; no homozygotes.

Submission:

PreventionGenetics, part of Exact Sciences
Classification: Likely benign for GPI-related condition. Last evaluated: 2019-08-09. Review status: no assertion criteria provided. Collection method: clinical testing. Allele origin: germline.
Comment: This variant is classified as likely benign based on ACMG/AMP sequence variant interpretation guidelines (Richards et al. 2015 PMID: 25741868, with internal and published modifications).

NM_000175.5(GPI):c.1473C>T (p.Val491=)

Gene: GPI (glucose-6-phosphate isomerase; plus strand). Cytogenetic location: 19q13.11.
Variant type: single nucleotide variant.
Coding change: c.1473C>T on transcript NM_000175.5 (MANE Select); coding-DNA position 1473, C replaced by T.
Protein change: p.Val491=; no amino-acid change (valine 491 retained).
Molecular consequence: synonymous variant.
Genome position (GRCh38, 1-based): chr19:34,399,630, C>T. VCF-style: chr19-34399630-C-T. GRCh37 (hg19) VCF-style: chr19-34890535-C-T.
Other names: c.1506C>T, p.Val502= (NM_001184722.1); c.1590C>T, p.Val530= (NM_001289789.1); c.1389C>T, p.Val463= (NM_001289790.3); c.1473C>T, p.Val491= (NM_001329909.1, NM_001329910.1); c.1446C>T, p.Val482= (NM_001329911.2).
Identifiers: ClinVar variation 3035307 (VCV003035307.2), dbSNP rs145923489, ClinGen allele CA9367443.